The following is an entry in ClinVar:

ClinVar aggregate classification (germline): Uncertain significance (1 of 4 stars; one submission).

Submission:

Labcorp Genetics (formerly Invitae), Labcorp
Classification: Uncertain significance. Last evaluated: 2019-04-25. Review status: criteria provided, single submitter. Criteria: Invitae Variant Classification Sherloc (09022015). Collection method: clinical testing. Allele origin: germline.
Comment: This sequence change replaces serine with alanine at codon 71 of the NTHL1 protein (p.Ser71Ala). The serine residue is weakly conserved and there is a moderate physicochemical difference between serine and alanine. This variant is not present in population databases (ExAC no frequency). This variant has not been reported in the literature in individuals with NTHL1-related conditions. Algorithms developed to predict the effect of missense changes on protein structure and function output the following: SIFT: "Tolerated"; PolyPhen-2: "Benign"; Align-GVGD: "Class C0". The alanine amino acid residue is found in multiple mammalian species, suggesting that this missense change does not adversely affect protein function. These predictions have not been confirmed by published functional studies and their clinical significance is uncertain. In summary, the available evidence is currently insufficient to determine the role of this variant in disease. Therefore, it has been classified as a Variant of Uncertain Significance.

NM_002528.7(NTHL1):c.187T>G (p.Ser63Ala)

Gene: NTHL1 (nth like DNA glycosylase 1; minus strand). Cytogenetic location: 16p13.3.
Variant type: single nucleotide variant.
Coding change: c.187T>G on transcript NM_002528.7 (MANE Select); coding-DNA position 187, T replaced by G.
Protein change: p.Ser63Ala; replaces serine 63 with alanine.
Molecular consequence: missense variant. On other transcripts: synonymous variant (1).
Genome position (GRCh38, 1-based): chr16:2,046,295, A>C on the plus strand (T>G on the coding strand, the complement: NTHL1 is on the minus strand). VCF-style: chr16-2046295-A-C. GRCh37 (hg19) VCF-style: chr16-2096296-A-C.
Other names: c.187T>G, p.Ser63Ala (NM_001318193.2); c.9T>G, p.Ala3= (NM_001318194.2); short protein forms S63A.
Identifiers: ClinVar variation 864688 (VCV000864688.8), dbSNP rs2084380096, ClinGen allele CA394297710.